The following is an entry in ClinVar:

ClinVar aggregate classification (germline): Uncertain significance (1 of 4 stars; one submission).

Conditions:
Cardiovascular phenotype. Identifiers: MedGen CN230736.

Allele frequency attached by ClinVar (database versions not stated): ExAC 0.00002; gnomAD exomes 0.00001; TOPMed 0.00001; gnomAD 0.00001.
gnomAD v4.1: 10 of 1,606,306 alleles (0.00062%); highest among the groups gnomAD compares: Non-Finnish European, 0.00085%; no homozygotes.

Submission:

Ambry Genetics
Classification: Uncertain significance for Cardiovascular phenotype. Last evaluated: 2025-11-15. Review status: criteria provided, single submitter. Criteria: Ambry Variant Classification Scheme 2023. Collection method: clinical testing. Allele origin: germline.
Comment: The p.M434V variant (also known as c.1300A>G), located in coding exon 15 of the CACNA2D1 gene, results from an A to G substitution at nucleotide position 1300. The methionine at codon 434 is replaced by valine, an amino acid with highly similar properties. This amino acid position is conserved. In addition, this alteration is predicted to be tolerated by in silico analysis. Since supporting evidence is limited at this time, the clinical significance of this alteration remains unclear.

NM_000722.4(CACNA2D1):c.1300A>G (p.Met434Val)

Genes: CACNA2D1 (calcium voltage-gated channel auxiliary subunit alpha2delta 1; minus strand), CACNA2D1-AS1 (CACNA2D1 antisense RNA 1; plus strand). Cytogenetic location: 7q21.11.
Variant type: single nucleotide variant.
Coding change: c.1300A>G on transcript NM_000722.4 (MANE Select); coding-DNA position 1300, A replaced by G.
Protein change: p.Met434Val; replaces methionine 434 with valine.
Molecular consequence: missense variant.
Genome position (GRCh38, 1-based): chr7:82,012,216, T>C on the plus strand (A>G on the coding strand, the complement: CACNA2D1 is on the minus strand). VCF-style: chr7-82012216-T-C. GRCh37 (hg19) VCF-style: chr7-81641532-T-C.
Other names: c.1300A>G, p.Met434Val (NM_001366867.1); short protein forms M434V.
Identifiers: ClinVar variation 1769392 (VCV001769392.3), dbSNP rs199961189, ClinGen allele CA4318075.